The following is an entry in ClinVar:

NM_181882.3(PRX):c.4318G>A (p.Val1440Met)

Gene: PRX (periaxin; minus strand). Cytogenetic location: 19q13.2.
Variant type: single nucleotide variant.
Coding change: c.4318G>A on transcript NM_181882.3 (MANE Select); coding-DNA position 4318, G replaced by A.
Protein change: p.Val1440Met; replaces valine 1440 with methionine.
Molecular consequence: missense variant. On other transcripts: 3 prime UTR variant (1).
Genome position (GRCh38, 1-based): chr19:40,394,034, C>T on the plus strand (G>A on the coding strand, the complement: PRX is on the minus strand). VCF-style: chr19-40394034-C-T. GRCh37 (hg19) VCF-style: chr19-40899941-C-T.
Other names: c.*4523G>A (NM_020956.2); short protein forms V1440M.
Identifiers: ClinVar variation 634531 (VCV000634531.16), dbSNP rs138437458, ClinGen allele CA9443639.

ClinVar aggregate classification (germline): Uncertain significance. Review status: criteria provided, multiple submitters, no conflicts (2 of 4 stars). 5 submissions from 4 submitters: Uncertain significance (5). Last evaluated 2025-10-08.

Conditions:
Dejerine-Sottas disease. Also called: Hereditary motor and sensory neuropathy 3; HMSN Type III; DEJERINE-SOTTAS NEUROPATHY; HEREDITARY MOTOR AND SENSORY NEUROPATHY TYPE III; Charcot-Marie-Tooth disease type 3. Identifiers: Orphanet 64748, MedGen C0011195, MONDO:0007790, OMIM 145900.
Charcot-Marie-Tooth disease type 4F. Also called: Charcot-Marie-Tooth disease, demyelinating, type 4F. Identifiers: Orphanet 99952, MedGen C3540453, MONDO:0013959, OMIM 614895.
Charcot-Marie-Tooth disease type 4. Also called: Charcot-Marie-Tooth, Type 4; Charcot-Marie-Tooth disease, type IV. Identifiers: Orphanet 64749, MedGen C4082197, MONDO:0018995.

Allele frequency attached by ClinVar (database versions not stated): TOPMed 0.00001; ExAC 0.00002; gnomAD exomes 0.00002 and 0.00003; gnomAD 0.00003; ESP Exome Variant Server 0.00008.
gnomAD v4.1: 33 of 1,613,370 alleles (0.002%); highest among the groups gnomAD compares: Admixed American, 0.005%; no homozygotes.

Submissions (5):

Labcorp Genetics (formerly Invitae), Labcorp
Classification: Uncertain significance for Charcot-Marie-Tooth disease type 4. Last evaluated: 2025-10-08. Review status: criteria provided, single submitter. Criteria: Invitae Variant Classification Sherloc (09022015). Collection method: clinical testing. Allele origin: germline.
Comment: This sequence change replaces valine, which is neutral and non-polar, with methionine, which is neutral and non-polar, at codon 1440 of the PRX protein (p.Val1440Met). This variant is present in population databases (rs138437458, gnomAD 0.006%). This variant has not been reported in the literature in individuals affected with PRX-related conditions. ClinVar contains an entry for this variant (Variation ID: 634531). Invitae Evidence Modeling of protein sequence and biophysical properties (such as structural, functional, and spatial information, amino acid conservation, physicochemical variation, residue mobility, and thermodynamic stability) indicates that this missense variant is not expected to disrupt PRX protein function with a negative predictive value of 80%. In summary, the available evidence is currently insufficient to determine the role of this variant in disease. Therefore, it has been classified as a Variant of Uncertain Significance.

Department of Pathology and Laboratory Medicine, Sinai Health System
Classification: Uncertain significance for Dejerine-Sottas disease; Charcot-Marie-Tooth disease type 4F. Last evaluated: 2022-06-09. Review status: criteria provided, single submitter. Criteria: ACMG Guidelines, 2015. Collection method: research. Allele origin: germline.

Genomic Research Center, Shahid Beheshti University of Medical Sciences
Classification: Uncertain significance for Dejerine-Sottas disease. Last evaluated: 2019-01-01. Review status: criteria provided, single submitter. Criteria: ACMG Guidelines, 2015. Collection method: clinical testing. Allele origin: unknown. Affected: no. Observed: 1 variant allele.

Genomic Research Center, Shahid Beheshti University of Medical Sciences
Classification: Uncertain significance for Charcot-Marie-Tooth disease, demyelinating, type 4f. Last evaluated: 2019-01-01. Review status: criteria provided, single submitter. Criteria: ACMG Guidelines, 2015. Collection method: clinical testing. Allele origin: unknown. Affected: no. Observed: 1 variant allele.

Centre for Mendelian Genomics, University Medical Centre Ljubljana
Classification: Uncertain significance for Charcot-Marie-Tooth disease type 4F. Last evaluated: 2018-11-05. Review status: criteria provided, single submitter. Criteria: ACMG Guidelines, 2015. Collection method: clinical testing. Allele origin: unknown. Affected: yes.
Comment: This variant was classified as: Uncertain significance. The available evidence on this variant's pathogenicity is insufficient or conflicting. The following ACMG criteria were applied in classifying this variant: PM2,PP3,BP1.